The following is an entry in ClinVar:

ClinVar aggregate classification (germline): Likely pathogenic (1 of 4 stars; one submission).

Conditions:
Developmental and epileptic encephalopathy, 1 (DEE1). Also called: X-linked infantile spasms; West's syndrome; Tonic spasms with clustering, arrest of psychomotor development and hypsarrhythmia on EEG; X-Linked Infantile Spasm Syndrome; Epileptic encephalopathy, early infantile, 1; INFANTILE SPASM SYNDROME, X-LINKED 1. Identifiers: MedGen C3463992, MONDO:0010632, OMIM 308350. Disease mechanism: loss of function.
Intellectual disability, X-linked, with or without seizures, ARX-related. Also called: Mental retardation, X-linked 52; INTELLECTUAL DEVELOPMENTAL DISORDER, X-LINKED 29; MENTAL RETARDATION, X-LINKED 29; MENTAL RETARDATION, X-LINKED 32; MENTAL RETARDATION, X-LINKED 33; MENTAL RETARDATION, X-LINKED 38. Identifiers: Orphanet 777, MedGen C0796244, MONDO:0010317, OMIM 300419.

Submission:

Labcorp Genetics (formerly Invitae), Labcorp
Classification: Likely pathogenic for Developmental and epileptic encephalopathy, 1; Intellectual disability, X-linked, with or without seizures, ARX-related. Last evaluated: 2021-11-27. Review status: criteria provided, single submitter. Criteria: Invitae Variant Classification Sherloc (09022015). Collection method: clinical testing. Allele origin: germline.
Comment: This sequence change replaces alanine, which is neutral and non-polar, with proline, which is neutral and non-polar, at codon 534 of the ARX protein (p.Ala534Pro). This variant is not present in population databases (gnomAD no frequency). This missense change has been observed in individuals with ARX-related conditions (PMID: 28387369, 29778428). Advanced modeling of protein sequence and biophysical properties (such as structural, functional, and spatial information, amino acid conservation, physicochemical variation, residue mobility, and thermodynamic stability) performed at Invitae indicates that this missense variant is expected to disrupt ARX protein function. In summary, the currently available evidence indicates that the variant is pathogenic, but additional data are needed to prove that conclusively. Therefore, this variant has been classified as Likely Pathogenic.

Literature cited by the submitters: PubMed 28387369; PubMed 29778428.

NM_139058.3(ARX):c.1600G>C (p.Ala534Pro)

Gene: ARX (aristaless related homeobox; minus strand). Cytogenetic location: Xp21.3.
Variant type: single nucleotide variant.
Coding change: c.1600G>C on transcript NM_139058.3 (MANE Select); coding-DNA position 1600, G replaced by C.
Protein change: p.Ala534Pro; replaces alanine 534 with proline.
Molecular consequence: missense variant.
Genome position (GRCh38, 1-based): chrX:25,004,759, C>G on the plus strand (G>C on the coding strand, the complement: ARX is on the minus strand). VCF-style: chrX-25004759-C-G. GRCh37 (hg19) VCF-style: chrX-25022876-C-G.
Other names: short protein forms A534P.
Identifiers: ClinVar variation 2138495 (VCV002138495.4), dbSNP rs2519099220, ClinGen allele CA412610676.